The following is an entry in ClinVar:

NM_006277.3(ITSN2):c.1718C>A (p.Thr573Lys)

Gene: ITSN2 (intersectin 2; minus strand). Cytogenetic location: 2p23.3.
Variant type: single nucleotide variant.
Coding change: c.1718C>A on transcript NM_006277.3 (MANE Select); coding-DNA position 1718, C replaced by A.
Protein change: p.Thr573Lys; replaces threonine 573 with lysine.
Molecular consequence: missense variant.
Genome position (GRCh38, 1-based): chr2:24,293,693, G>T on the plus strand (C>A on the coding strand, the complement: ITSN2 is on the minus strand). VCF-style: chr2-24293693-G-T. GRCh37 (hg19) VCF-style: chr2-24516562-G-T.
Other names: c.1676C>A, p.Thr559Lys (NM_001348184.2, NM_001348181.2); c.1718C>A, p.Thr573Lys (NM_001348185.2, NM_001348186.2, NM_019595.4 and 3 more transcripts); short protein forms T559K, T573K.
Identifiers: ClinVar variation 2849064 (VCV002849064.3), dbSNP rs952507792, ClinGen allele CA43611988.
Genomic context (GRCh38, chr2:24,293,693, plus strand): 5'-TGATACAGTCATTCAGAAAAGGATAAAAGTAATCAGACAAACCTTAGAGACTTACCAGGT[G>T]TGTTACTGAACTGCATGTTTTTAATTCTTTCATTTAATAATTGCTTCTCAGGTACCAGAT-3'
Protein context (NP_006268.2, residues 563-583): ERIKNMQFSN[Thr573Lys]PDSGVSLLHK

ClinVar aggregate classification (germline): Uncertain significance (1 of 4 stars; one submission).

gnomAD v4.1: 6 of 1,101,132 alleles (0.00054%); highest among the groups gnomAD compares: Admixed American, 0.015%; no homozygotes.

Submission:

Labcorp Genetics (formerly Invitae), Labcorp
Classification: Uncertain significance. Last evaluated: 2024-05-29. Review status: criteria provided, single submitter. Criteria: Invitae Variant Classification Sherloc (09022015). Collection method: clinical testing. Allele origin: germline.
Comment: This sequence change replaces threonine, which is neutral and polar, with lysine, which is basic and polar, at codon 573 of the ITSN2 protein (p.Thr573Lys). This variant is present in population databases (no rsID available, gnomAD 0.006%). This variant has not been reported in the literature in individuals affected with ITSN2-related conditions. Experimental studies and prediction algorithms are not available or were not evaluated, and the functional significance of this variant is currently unknown. In summary, the available evidence is currently insufficient to determine the role of this variant in disease. Therefore, it has been classified as a Variant of Uncertain Significance.